The following is an entry in ClinVar:

NM_015602.4(TOR1AIP1):c.1349C>T (p.Ala450Val)

Gene: TOR1AIP1 (torsin 1A interacting protein 1; plus strand). Cytogenetic location: 1q25.2.
Variant type: single nucleotide variant.
Coding change: c.1349C>T on transcript NM_015602.4 (MANE Select); coding-DNA position 1349, C replaced by T.
Protein change: p.Ala450Val; replaces alanine 450 with valine.
Molecular consequence: missense variant.
Genome position (GRCh38, 1-based): chr1:179,917,836, C>T. VCF-style: chr1-179917836-C-T. GRCh37 (hg19) VCF-style: chr1-179886971-C-T.
Other names: c.1349C>T (NM_015602.2); c.1352C>T, p.Ala451Val (NM_001267578.2); short protein forms A450V, A451V.
Identifiers: ClinVar variation 2428855 (VCV002428855.4), dbSNP rs370060674, ClinGen allele CA1269131.

ClinVar aggregate classification (germline): Uncertain significance. Review status: criteria provided, multiple submitters, no conflicts (2 of 4 stars). 2 submissions from 2 submitters: Uncertain significance (2). Last evaluated 2025-10-22.

Conditions:
Inborn genetic diseases. Identifiers: MedGen C0950123, MeSH D030342.

Allele frequency attached by ClinVar (database versions not stated): gnomAD 0.00006; ExAC 0.00002; TOPMed 0.00004; ESP Exome Variant Server 0.00008; gnomAD exomes below 0.00001.
gnomAD v4.1: 11 of 1,614,042 alleles (0.00068%); highest among the groups gnomAD compares: African/African-American, 0.015%; no homozygotes.

Submissions (2):

Ambry Genetics
Classification: Uncertain significance for Inborn genetic diseases. Last evaluated: 2025-10-22. Review status: criteria provided, single submitter. Criteria: Ambry Variant Classification Scheme 2023. Collection method: clinical testing. Allele origin: germline.

GeneDx
Classification: Uncertain significance. Last evaluated: 2022-08-03. Review status: criteria provided, single submitter. Criteria: GeneDx Variant Classification Process June 2021. Collection method: clinical testing. Allele origin: germline. Affected: yes.
Comment: In silico analysis supports that this missense variant has a deleterious effect on protein structure/function; Has not been previously published as pathogenic or benign to our knowledge